The following is an entry in ClinVar:

ClinVar aggregate classification (germline): Uncertain significance (1 of 4 stars; one submission).

Conditions:
Developmental and epileptic encephalopathy, 2 (DEE2). Also called: CDKL5 deficiency disorder; INFANTILE SPASM SYNDROME, X-LINKED 2. Identifiers: Orphanet 1934, Orphanet 3451, Orphanet 505652, MedGen C4750718, MONDO:0010396, OMIM 300672.
Angelman syndrome-like. Identifiers: MedGen CN128785.

Submission:

Labcorp Genetics (formerly Invitae), Labcorp
Classification: Uncertain significance for Developmental and epileptic encephalopathy, 2; Angelman syndrome-like. Last evaluated: 2024-07-06. Review status: criteria provided, single submitter. Criteria: Invitae Variant Classification Sherloc (09022015). Collection method: clinical testing. Allele origin: germline.
Comment: This sequence change replaces glycine, which is neutral and non-polar, with serine, which is neutral and polar, at codon 359 of the CDKL5 protein (p.Gly359Ser). This variant is not present in population databases (gnomAD no frequency). This variant has not been reported in the literature in individuals affected with CDKL5-related conditions. Advanced modeling of protein sequence and biophysical properties (such as structural, functional, and spatial information, amino acid conservation, physicochemical variation, residue mobility, and thermodynamic stability) performed at Invitae indicates that this missense variant is not expected to disrupt CDKL5 protein function with a negative predictive value of 95%. In summary, the available evidence is currently insufficient to determine the role of this variant in disease. Therefore, it has been classified as a Variant of Uncertain Significance.

NM_001323289.2(CDKL5):c.1075G>A (p.Gly359Ser)

Gene: CDKL5 (cyclin dependent kinase like 5; plus strand). Cytogenetic location: Xp22.13.
Variant type: single nucleotide variant.
Coding change: c.1075G>A on transcript NM_001323289.2 (MANE Select); coding-DNA position 1075, G replaced by A.
Protein change: p.Gly359Ser; replaces glycine 359 with serine.
Molecular consequence: missense variant.
Genome position (GRCh38, 1-based): chrX:18,603,999, G>A. VCF-style: chrX-18603999-G-A. GRCh37 (hg19) VCF-style: chrX-18622119-G-A.
Other names: c.1075G>A, p.Gly359Ser (NM_001037343.2, NM_003159.3); short protein forms G359S.
Identifiers: ClinVar variation 3753773 (VCV003753773.2).
Genomic context (GRCh38, chrX:18,603,999, plus strand): 5'-CACAGATCTAACAGCAAGGACATCCAGAACCTGAGTGTAGGCCTGCCCCGGGCTGACGAA[G>A]GTCTCCCTGCCAATGAAAGCTTCCTAAATGGAAACCTTGCTGGAGCTAGTCTTAGTCCAC-3'
Protein context (NP_001310218.1, residues 349-369): LSVGLPRADE[Gly359Ser]LPANESFLNG